The following is an entry in ClinVar:

ClinVar aggregate classification (germline): Benign (1 of 4 stars; one submission).

Allele frequency attached by ClinVar (database versions not stated): gnomAD 0.22079; TOPMed 0.22652; 1000 Genomes Project 30x 0.24266; 1000 Genomes Project 0.24441.
gnomAD v4.1: 33,495 of 152,040 alleles (22%); highest among the groups gnomAD compares: African/African-American, 39%; 4,629 homozygotes.

Submission:

Unidad de Genómica Garrahan, Hospital de Pediatría Garrahan
Classification: Benign. Last evaluated: 2024-01-24. Review status: criteria provided, single submitter. Criteria: ACMG Guidelines, 2015. Collection method: clinical testing. Allele origin: germline. Affected: no. Observed: 21 variant alleles.
Comment: This variant is classified as Benign based on local population frequency. This variant was detected in 22% of patients studied by a panel of primary immunodeficiencies. Number of patients: 21. Only high quality variants are reported.

NM_002872.5(RAC2):c.449-1206A>G

Gene: RAC2 (Rac family small GTPase 2; minus strand). Cytogenetic location: 22q13.1.
Variant type: single nucleotide variant.
Coding change: c.449-1206A>G on transcript NM_002872.5 (MANE Select); 1206 bases into the intron before coding-DNA position 449, A replaced by G.
Molecular consequence: intron variant.
Genome position (GRCh38, 1-based): chr22:37,228,009, T>C on the plus strand (A>G on the coding strand, the complement: RAC2 is on the minus strand). VCF-style: chr22-37228009-T-C. GRCh37 (hg19) VCF-style: chr22-37624049-T-C.
Identifiers: ClinVar variation 2688324 (VCV002688324.2), dbSNP rs56073008, ClinGen allele CA16599507.